The following is an entry in ClinVar:

NM_007194.4(CHEK2):c.593-15T>A

Gene: CHEK2 (checkpoint kinase 2; minus strand). Cytogenetic location: 22q12.1.
Variant type: single nucleotide variant.
Coding change: c.593-15T>A on transcript NM_007194.4 (MANE Select); 15 bases into the intron before coding-DNA position 593, T replaced by A.
Molecular consequence: intron variant.
Genome position (GRCh38, 1-based): chr22:28,719,500, A>T on the plus strand (T>A on the coding strand, the complement: CHEK2 is on the minus strand). VCF-style: chr22-28719500-A-T. GRCh37 (hg19) VCF-style: chr22-29115488-A-T.
Other names: c.-71-15T>A (NM_001437942.1, NM_001257387.3); c.482+5386T>A (NM_001349956.3); c.593-15T>A (NM_145862.3); c.686-15T>A (NM_001438295.1, NM_001438293.1); c.722-15T>A (NM_001438294.1, NM_001005735.3).
Identifiers: ClinVar variation 384324 (VCV000384324.14), dbSNP rs757717459, ClinGen allele CA16608152.

ClinVar aggregate classification (germline): Conflicting classifications of pathogenicity. Review status: criteria provided, conflicting classifications (1 of 4 stars). 6 submissions from 6 submitters: Uncertain significance (1); Likely benign (4). 1 of the submissions does not count toward it. Last evaluated 2026-01-11.

Conditions:
Hereditary cancer-predisposing syndrome. Also called: Neoplastic Syndromes, Hereditary; Hereditary neoplastic syndrome; Tumor predisposition; Hereditary Cancer Syndrome. Identifiers: Orphanet 140162, MedGen C0027672, MeSH D009386, MONDO:0015356.
Familial cancer of breast. Also called: BREAST CANCER, FAMILIAL; hereditary breast carcinoma; Hereditary breast cancer. Identifiers: Orphanet 227535, MedGen C0346153, MONDO:0016419, OMIM 114480. Disease mechanism: loss of function.
Li-Fraumeni syndrome (LFS). Also called: Sarcoma family syndrome of Li and Fraumeni. Identifiers: Orphanet 524, MedGen C0085390, MONDO:0018875.

gnomAD v4.1: 3 of 1,459,384 alleles (0.00021%); highest among the groups gnomAD compares: Middle Eastern, 0.018%; no homozygotes.

Submissions (6):

Labcorp Genetics (formerly Invitae), Labcorp
Classification: Likely benign for Familial cancer of breast. Last evaluated: 2026-01-11. Review status: criteria provided, single submitter. Criteria: Invitae Variant Classification Sherloc (09022015). Collection method: clinical testing. Allele origin: germline.

Department of Pathology and Laboratory Medicine, Sinai Health System
Classification: Likely benign for Li-Fraumeni syndrome. Last evaluated: 2023-09-27. Review status: criteria provided, single submitter. Criteria: ACMG Guidelines, 2015. Collection method: clinical testing. Allele origin: germline. Affected: yes.

Myriad Genetics, Inc.
Classification: Uncertain significance for Familial cancer of breast. Last evaluated: 2023-03-08. Review status: criteria provided, single submitter. Criteria: Myriad Autosomal Dominant, Autosomal Recessive and X-Linked Classification Criteria (2023). Collection method: clinical testing. Allele origin: unknown.
Comment: This variant is classified as a variant of uncertain significance as there is insufficient evidence to determine its impact on protein function and/or cancer risk.

Color Diagnostics, LLC DBA Color Health
Classification: Likely benign for Hereditary cancer-predisposing syndrome. Last evaluated: 2016-06-14. Review status: criteria provided, single submitter. Criteria: ACMG Guidelines, 2015. Collection method: clinical testing. Allele origin: germline.

GeneDx
Classification: Likely benign. Last evaluated: 2016-02-29. Review status: criteria provided, single submitter. Criteria: GeneDx Variant Classification (06012015). Collection method: clinical testing. Allele origin: germline. Affected: yes.
Comment: This variant is considered likely benign or benign based on one or more of the following criteria: it is a conservative change, it occurs at a poorly conserved position in the protein, it is predicted to be benign by multiple in silico algorithms, and/or has population frequency not consistent with disease.

Counsyl
Classification: Likely benign for Familial cancer of breast. Last evaluated: 2017-11-08. Review status: no assertion criteria provided. Collection method: clinical testing. Allele origin: unknown. Not counted in ClinVar's aggregate classification.